The following is an entry in ClinVar:

NM_000520.6(HEXA):c.545C>T (p.Pro182Leu)

Gene: HEXA (hexosaminidase subunit alpha; minus strand). Cytogenetic location: 15q23.
Variant type: single nucleotide variant.
Coding change: c.545C>T on transcript NM_000520.6 (MANE Select); coding-DNA position 545, C replaced by T.
Protein change: p.Pro182Leu; replaces proline 182 with leucine.
Molecular consequence: missense variant. On other transcripts: non-coding transcript variant (1).
Genome position (GRCh38, 1-based): chr15:72,353,093, G>A on the plus strand (C>T on the coding strand, the complement: HEXA is on the minus strand). VCF-style: chr15-72353093-G-A. GRCh37 (hg19) VCF-style: chr15-72645434-G-A.
Other names: c.578C>T, p.Pro193Leu (NM_001318825.2); short protein forms P182L, P193L.
Identifiers: ClinVar variation 554859 (VCV000554859.10), dbSNP rs148511084, ClinGen allele CA7644971.

ClinVar aggregate classification (germline): Uncertain significance. Review status: criteria provided, multiple submitters, no conflicts (2 of 4 stars). 4 submissions from 4 submitters: Uncertain significance (2). 2 of the submissions do not count toward it. Last evaluated 2022-07-25.

Conditions:
Tay-Sachs disease (TSD). Also called: HEXA Disorders; HEXA DEFICIENCY; Hexosaminidase A Deficiency; GM2 gangliosidosis, type 1; Hexosaminidase alpha-subunit deficiency (variant B); Sphingolipidosis, Tay-Sachs. Identifiers: Orphanet 845, MedGen C0039373, MONDO:0010100, OMIM 272800.

Allele frequency attached by ClinVar (database versions not stated): gnomAD exomes 0.00001 and 0.00006; ExAC 0.00006; ESP Exome Variant Server 0.00015; TOPMed 0.00015; gnomAD 0.00018 and 0.00019; 1000 Genomes Project 0.00020; 1000 Genomes Project 30x 0.00031.

Submissions (4):

Labcorp Genetics (formerly Invitae), Labcorp
Classification: Uncertain significance for Tay-Sachs disease. Last evaluated: 2022-07-25. Review status: criteria provided, single submitter. Criteria: Invitae Variant Classification Sherloc (09022015). Collection method: clinical testing. Allele origin: germline.
Comment: This sequence change replaces proline, which is neutral and non-polar, with leucine, which is neutral and non-polar, at codon 182 of the HEXA protein (p.Pro182Leu). This variant is present in population databases (rs148511084, gnomAD 0.07%). This variant has not been reported in the literature in individuals affected with HEXA-related conditions. ClinVar contains an entry for this variant (Variation ID: 554859). Algorithms developed to predict the effect of missense changes on protein structure and function are either unavailable or do not agree on the potential impact of this missense change (SIFT: "Deleterious"; PolyPhen-2: "Probably Damaging"; Align-GVGD: "Class C15"). In summary, the available evidence is currently insufficient to determine the role of this variant in disease. Therefore, it has been classified as a Variant of Uncertain Significance.

GeneDx
Classification: Uncertain significance. Last evaluated: 2019-09-27. Review status: criteria provided, single submitter. Criteria: GeneDx Variant Classification Process June 2021. Collection method: clinical testing. Allele origin: germline. Affected: yes.
Comment: The majority of missense variants in this gene are considered pathogenic (Stenson et al., 2014); In silico analysis, which includes protein predictors and evolutionary conservation, supports a deleterious effect; Has not been previously published as pathogenic or benign to our knowledge

Natera, Inc.
Classification: Uncertain significance for Tay-Sachs disease. Last evaluated: 2018-05-01. Review status: no assertion criteria provided. Collection method: clinical testing. Allele origin: germline. Not counted in ClinVar's aggregate classification.

Counsyl
Classification: Uncertain significance for Tay-Sachs disease. Last evaluated: 2017-11-16. Review status: no assertion criteria provided. Collection method: clinical testing. Allele origin: unknown. Not counted in ClinVar's aggregate classification.